The following is an entry in ClinVar:

ClinVar aggregate classification (germline): Conflicting classifications of pathogenicity. Review status: criteria provided, conflicting classifications (1 of 4 stars). 3 submissions from 3 submitters: Likely pathogenic (1); Uncertain significance (2). Last evaluated 2026-04-30.

Conditions:
DYRK1A-related intellectual disability syndrome (MRD7). Also called: Intellectual developmental disorder, autosomal dominant 7; DYRK1A Syndrome. Identifiers: Orphanet 464306, MedGen C5568143, MONDO:0013578, OMIM 614104.

gnomAD v4.1: 1 of 1,176,872 alleles (0.000085%); no homozygotes.

Submissions (3):

Clinical Genomic Analysis (GENYSIS) Core, University of North Carolina at Chapel Hill
Classification: Likely pathogenic for DYRK1A-related intellectual disability syndrome. Last evaluated: 2026-04-30. Review status: criteria provided, single submitter. Criteria: ACMG Guidelines, 2015. Collection method: research. Allele origin: de novo. Affected: yes. Observed: 1 variant allele, 1 heterozygote. Study: UNC Genetic Determinants of Neurological and Developmental Disorders (GDNDD) Study.
Comment: DYRK1A c.235A>T, p.(Met79Leu), is a missense variant in exon 8 of 12 that changes a single amino acid from a highly conserved arginine to a tryptophan. This is a rare variant present at an allele frequency of 0.0002% (1/476958 alleles) in gnomADv4.1. This variant resides within the protein kinase domain of the encoded protein and is predicted by multiple in silico models to have a damaging effect on the protein. Based on the available evidence, this de novo variant is classified as likely pathogenic. ACMG codes: PS2 (confirmed de novo), PM2_supporting (rare in gnomAD), PP2 (missense z-score > 3.09), PP3 (REVEL score between 0.644 and 0.773)

Greenwood Genetic Center Diagnostic Laboratories, Greenwood Genetic Center
Classification: Uncertain significance. Last evaluated: 2024-02-08. Review status: criteria provided, single submitter. Criteria: ACMG Guidelines, 2015. Collection method: clinical testing. Allele origin: germline. Affected: yes.
Comment: PS3_Supporting, PP3

GeneDx
Classification: Uncertain significance. Last evaluated: 2016-12-06. Review status: criteria provided, single submitter. Criteria: GeneDx Variant Classification (06012015). Collection method: clinical testing. Allele origin: germline. Affected: yes.
Comment: A variant of uncertain significance has been identified in the DYRK1A gene. The R328W variant has not been published as a pathogenic variant, nor has it been reported as a benign variant to our knowledge. The R328W variant is not observed in large population cohorts (Lek et al., 2016; 1000 Genomes Consortium et al., 2015; Exome Variant Server). The R328W variant is a non-conservative amino acid substitution, which is likely to impact secondary protein structure as these residues differ in polarity, charge, size and/or other properties. This substitution occurs at a position that is conserved across species, and in silico analysis predicts this variant is probably damaging to the protein structure/function. However, missense variants in nearby residues have not been reported in the Human Gene Mutation Database in association with DYRK1A-related disorders (Stenson et al., 2014). Therefore, based on the currently available information, it is unclear whether this variant is a pathogenic variant or a rare benign variant.

NM_001347721.2(DYRK1A):c.955C>T (p.Arg319Trp)

Gene: DYRK1A (dual specificity tyrosine phosphorylation regulated kinase 1A; plus strand). Cytogenetic location: 21q22.13.
Variant type: single nucleotide variant.
Coding change: c.955C>T on transcript NM_001347721.2 (MANE Select); coding-DNA position 955, C replaced by T.
Protein change: p.Arg319Trp; replaces arginine 319 with tryptophan.
Molecular consequence: missense variant.
Genome position (GRCh38, 1-based): chr21:37,493,047, C>T. VCF-style: chr21-37493047-C-T. GRCh37 (hg19) VCF-style: chr21-38865349-C-T.
Other names: c.955C>T, p.Arg319Trp (NM_001347722.2, NM_130436.2); c.868C>T, p.Arg290Trp (NM_001347723.2); c.982C>T, p.Arg328Trp (NM_001396.5, NM_101395.2, NM_130438.2); c.982C>T (NM_001396.4); short protein forms R328W, R319W, R290W.
Identifiers: ClinVar variation 373750 (VCV000373750.3), dbSNP rs113004433, ClinGen allele CA16043240.